The following is an entry in ClinVar:

NM_002890.3(RASA1):c.1912T>A (p.Trp638Arg)

Genes: CCNH (cyclin H; minus strand), RASA1 (RAS p21 protein activator 1; plus strand). Cytogenetic location: 5q14.3.
Variant type: single nucleotide variant.
Coding change: c.1912T>A on transcript NM_002890.3 (MANE Select); coding-DNA position 1912, T replaced by A.
Protein change: p.Trp638Arg; replaces tryptophan 638 with arginine.
Molecular consequence: missense variant. On other transcripts: intron variant (1).
Genome position (GRCh38, 1-based): chr5:87,374,298, T>A. VCF-style: chr5-87374298-T-A. GRCh37 (hg19) VCF-style: chr5-86670115-T-A.
Other names: c.1381T>A, p.Trp461Arg (NM_022650.3); c.933+20746A>T (NM_001364075.2); short protein forms W461R, W638R.
Identifiers: ClinVar variation 3648797 (VCV003648797.2).
Genomic context (GRCh38, chr5:87,374,298, plus strand): 5'-ATCTACCTGAATAGTGTCCAAGTAGCAAAAACTCATGCAAGGGAAGGGCAAAACCCAGTA[T>A]GGTCAGAAGAGTTTGTCTTTGAGTAAGTCTTATTTTATCATTACATTAATCATTTTCTTT-3'
Protein context (NP_002881.1, residues 628-648): THAREGQNPV[Trp638Arg]SEEFVFDDLP

ClinVar aggregate classification (germline): Uncertain significance (1 of 4 stars; one submission).

Conditions:
Capillary malformation-arteriovenous malformation syndrome. Also called: Capillary malformation-arteriovenous malformation. Identifiers: Orphanet 137667, MedGen C1842180, MONDO:0012016.

Submission:

Labcorp Genetics (formerly Invitae), Labcorp
Classification: Uncertain significance for Capillary malformation-arteriovenous malformation syndrome. Last evaluated: 2024-04-04. Review status: criteria provided, single submitter. Criteria: Invitae Variant Classification Sherloc (09022015). Collection method: clinical testing. Allele origin: germline.
Comment: This sequence change replaces tryptophan, which is neutral and slightly polar, with arginine, which is basic and polar, at codon 638 of the RASA1 protein (p.Trp638Arg). This variant is not present in population databases (gnomAD no frequency). This variant has not been reported in the literature in individuals affected with RASA1-related conditions. An algorithm developed to predict the effect of missense changes on protein structure and function (PolyPhen-2) suggests that this variant is likely to be disruptive. Algorithms developed to predict the effect of sequence changes on RNA splicing suggest that this variant may create or strengthen a splice site. In summary, the available evidence is currently insufficient to determine the role of this variant in disease. Therefore, it has been classified as a Variant of Uncertain Significance.